The following is an entry in ClinVar:

ClinVar aggregate classification (germline): Uncertain significance (0 of 4 stars; one submission).

Conditions:
PCLO-related disorder. Also called: PCLO-related condition.

Allele frequency attached by ClinVar (database versions not stated): TOPMed below 0.00001; gnomAD 0.00001; gnomAD exomes 0.00002.

Submission:

PreventionGenetics, part of Exact Sciences
Classification: Uncertain significance for PCLO-related condition. Last evaluated: 2023-12-31. Review status: no assertion criteria provided. Collection method: clinical testing. Allele origin: germline.
Comment: The PCLO c.6620C>A variant is predicted to result in the amino acid substitution p.Thr2207Asn. To our knowledge, this variant has not been reported in the literature or in a large population database, indicating this variant is rare. At this time, the clinical significance of this variant is uncertain due to the absence of conclusive functional and genetic evidence.

NM_033026.6(PCLO):c.6620C>A (p.Thr2207Asn)

Gene: PCLO (piccolo presynaptic cytomatrix protein; minus strand). Cytogenetic location: 7q21.11.
Variant type: single nucleotide variant.
Coding change: c.6620C>A on transcript NM_033026.6 (MANE Select); coding-DNA position 6620, C replaced by A.
Protein change: p.Thr2207Asn; replaces threonine 2207 with asparagine.
Molecular consequence: missense variant.
Genome position (GRCh38, 1-based): chr7:82,954,333, G>T on the plus strand (C>A on the coding strand, the complement: PCLO is on the minus strand). VCF-style: chr7-82954333-G-T. GRCh37 (hg19) VCF-style: chr7-82583649-G-T.
Other names: c.6620C>A, p.Thr2207Asn (NM_014510.3); short protein forms T2207N.
Identifiers: ClinVar variation 3052578 (VCV003052578.2), dbSNP rs1003111447, ClinGen allele CA161147304.